The following is an entry in ClinVar:

NM_004984.4(KIF5A):c.2392C>T (p.Arg798Cys)

Gene: KIF5A (kinesin family member 5A; plus strand). Cytogenetic location: 12q13.3.
Variant type: single nucleotide variant.
Coding change: c.2392C>T on transcript NM_004984.4 (MANE Select); coding-DNA position 2392, C replaced by T.
Protein change: p.Arg798Cys; replaces arginine 798 with cysteine.
Molecular consequence: missense variant.
Genome position (GRCh38, 1-based): chr12:57,578,039, C>T. VCF-style: chr12-57578039-C-T. GRCh37 (hg19) VCF-style: chr12-57971822-C-T.
Other names: c.2125C>T, p.Arg709Cys (NM_001354705.2); short protein forms R709C, R798C.
Identifiers: ClinVar variation 1514544 (VCV001514544.6), dbSNP rs372633156, ClinGen allele CA6653101.
Genomic context (GRCh38, chr12:57,578,039, plus strand): 5'-CTATTCCCAATTTTTCATCATTCTTTCCAGGCCCGGGAACTCCAGACCCTCCACAACCTT[C>T]GCAAGCTGTTCGTTCAAGACGTCACGACTCGAGTCAAGAAAGTGAGTGCTGTCCTTGGGG-3'
Protein context (NP_004975.2, residues 788-808): ARELQTLHNL[Arg798Cys]KLFVQDVTTR

ClinVar aggregate classification (germline): Uncertain significance (1 of 4 stars; one submission).

Conditions:
Spastic paraplegia. Identifiers: MedGen C0037772, HP:0001258.

Allele frequency attached by ClinVar (database versions not stated): gnomAD exomes below 0.00001 and 0.00001; gnomAD 0.00001; ExAC 0.00002; TOPMed 0.00003; ESP Exome Variant Server 0.00008.
gnomAD v4.1: 2 of 1,614,108 alleles (0.00012%); highest among the groups gnomAD compares: Admixed American, 0.0017%; no homozygotes.

Submission:

Labcorp Genetics (formerly Invitae), Labcorp
Classification: Uncertain significance for Spastic paraplegia. Last evaluated: 2024-03-05. Review status: criteria provided, single submitter. Criteria: Invitae Variant Classification Sherloc (09022015). Collection method: clinical testing. Allele origin: germline.
Comment: This sequence change replaces arginine, which is basic and polar, with cysteine, which is neutral and slightly polar, at codon 798 of the KIF5A protein (p.Arg798Cys). This variant is present in population databases (rs372633156, gnomAD 0.006%). This variant has not been reported in the literature in individuals affected with KIF5A-related conditions. ClinVar contains an entry for this variant (Variation ID: 1514544). Advanced modeling of protein sequence and biophysical properties (such as structural, functional, and spatial information, amino acid conservation, physicochemical variation, residue mobility, and thermodynamic stability) has been performed at Invitae for this missense variant, however the output from this modeling did not meet the statistical confidence thresholds required to predict the impact of this variant on KIF5A protein function. In summary, the available evidence is currently insufficient to determine the role of this variant in disease. Therefore, it has been classified as a Variant of Uncertain Significance.